The following is an entry in ClinVar:

ClinVar aggregate classification (germline): Uncertain significance (1 of 4 stars; one submission).

Conditions:
Hereditary cancer-predisposing syndrome. Also called: Tumor predisposition; Hereditary Cancer Syndrome; Neoplastic Syndromes, Hereditary; Hereditary neoplastic syndrome. Identifiers: Orphanet 140162, MedGen C0027672, MeSH D009386, MONDO:0015356.

Submission:

Color Diagnostics, LLC DBA Color Health
Classification: Uncertain significance for Hereditary cancer-predisposing syndrome. Last evaluated: 2025-07-29. Review status: criteria provided, single submitter. Criteria: ACMG Guidelines, 2015. Collection method: clinical testing. Allele origin: germline.
Comment: This variant inserts 7 nucleotides in exon 15 of the PMS2 gene, creating a frameshift and premature translation stop signal. This variant is expected to replace the carboxy-terminal 5 amino acids with 32 novel amino acids. To our knowledge, this variant has not been reported in individuals affected with PMS2-related disorders in the literature. This variant has not been identified in the general population by the Genome Aggregation Database (gnomAD). Loss of PMS2 function is a known mechanism of disease. The available evidence is insufficient to determine the role of this variant in disease conclusively. Therefore, this variant is classified as a Variant of Uncertain Significance.

NM_000535.7(PMS2):c.2564_2570dup (p.Val858fs)

Gene: PMS2 (PMS1 homolog 2, mismatch repair system component; minus strand). Cytogenetic location: 7p22.1.
Variant type: Duplication.
Coding change: c.2564_2570dup on transcript NM_000535.7 (MANE Select); coding-DNA positions 2564 to 2570, 7 bases duplicated (ACCTGGG; older notation c.2564_2570dupACCTGGG).
Protein change: p.Val858fs; shifts the reading frame from valine 858.
Molecular consequence: frameshift variant. On other transcripts: non-coding transcript variant (1).
Genome position (GRCh38, 1-based): chr7:5,973,418-5,973,424, CCCAGGT duplicated on the plus strand (ACCTGGG on the coding strand, the reverse complement: PMS2 is on the minus strand). VCF-style (leftmost placement, unchanged base first): chr7-5973417-A-ACCCAGGT. GRCh37 (hg19) VCF-style: chr7-6013048-A-ACCCAGGT.
Other names: c.2159_2165dup, p.Val723fs (NM_001322003.2, NM_001322004.2, NM_001322005.2 and 11 more transcripts); c.2408_2414dup, p.Val806fs (NM_001322006.2); c.2246_2252dup, p.Val752fs (NM_001322007.2, NM_001322008.2, NM_001406883.1); c.2192_2198dup, p.Val734fs (NM_001322009.2, NM_001406887.1, NM_001406888.1); c.2003_2009dup, p.Val671fs (NM_001322010.2, NM_001406906.1, NM_001406907.1); c.1631_1637dup, p.Val547fs (NM_001322011.2, NM_001322012.2); c.1991_1997dup, p.Val667fs (NM_001322013.2, NM_001406908.1, NM_001406909.1); c.2597_2603dup, p.Val869fs (NM_001322014.2); and 20 more; short protein forms V457fs, V547fs, V601fs, V619fs, V667fs, V671fs, V687fs, V696fs.
Identifiers: ClinVar variation 4757697 (VCV004757697.1).
Genomic context (GRCh38, chr7:5,973,417, plus strand): 5'-AAAATCTGCGATAAAACCAATTATTCCATACAGTGACTACGGTCAGTTCTGAGAAATGAC[A>ACCCAGGT]CCCAGGTTGGCGATGTGTCTCATGGTTGGCCTTCCATGGGGACAGTTCCAGGGGTGGTCC-3'